The following is an entry in ClinVar:

ClinVar aggregate classification (germline): Benign/Likely benign. Review status: criteria provided, multiple submitters, no conflicts (2 of 4 stars). 5 submissions from 5 submitters: Benign (2); Likely benign (2). 1 of the submissions does not count toward it. Last evaluated 2025-04-24.

Conditions:
FBLN1-related disorder. Also called: FBLN1-related condition.

Allele frequency attached by ClinVar (database versions not stated): gnomAD 0.00022 and 0.00036; TOPMed 0.00027; ESP Exome Variant Server 0.00031; 1000 Genomes Project 0.00040; gnomAD exomes 0.00044 and 0.00064; 1000 Genomes Project 30x 0.00047; ExAC 0.00069.
gnomAD v4.1: 706 of 1,614,224 alleles (0.044%); highest among the groups gnomAD compares: South Asian, 0.35%; 8 homozygotes.

Submissions (5):

Labcorp Genetics (formerly Invitae), Labcorp
Classification: Benign. Last evaluated: 2025-04-24. Review status: criteria provided, single submitter. Criteria: Invitae Variant Classification Sherloc (09022015). Collection method: clinical testing. Allele origin: germline.

Blueprint Genetics
Classification: Likely benign. Last evaluated: 2024-11-27. Review status: criteria provided, single submitter. Criteria: ACMG Guidelines, 2015. Collection method: clinical testing. Allele origin: germline.

CeGaT Center for Human Genetics Tuebingen
Classification: Likely benign. Last evaluated: 2023-02-01. Review status: criteria provided, single submitter. Criteria: CeGaT Center For Human Genetics Tuebingen Variant Classification Criteria Version 2. Collection method: clinical testing. Allele origin: germline. Affected: yes. Observed: 1 variant allele.
Comment: FBLN1: BP4, BP7, BS2

Breakthrough Genomics
Classification: Benign. Review status: criteria provided, single submitter. Criteria: ACMG Guidelines, 2015. Collection method: not provided. Allele origin: germline. Inheritance: Autosomal dominant inheritance. Affected: yes.

PreventionGenetics, part of Exact Sciences
Classification: Likely benign for FBLN1-related condition. Last evaluated: 2023-12-04. Review status: no assertion criteria provided. Collection method: clinical testing. Allele origin: germline. Not counted in ClinVar's aggregate classification.
Comment: This variant is classified as likely benign based on ACMG/AMP sequence variant interpretation guidelines (Richards et al. 2015 PMID: 25741868, with internal and published modifications).

NM_006486.3(FBLN1):c.450C>T (p.Thr150=)

Gene: FBLN1 (fibulin 1; plus strand). Cytogenetic location: 22q13.31.
Variant type: single nucleotide variant.
Coding change: c.450C>T on transcript NM_006486.3 (MANE Select); coding-DNA position 450, C replaced by T.
Protein change: p.Thr150=; no amino-acid change (threonine 150 retained).
Molecular consequence: synonymous variant.
Genome position (GRCh38, 1-based): chr22:45,527,975, C>T. VCF-style: chr22-45527975-C-T. GRCh37 (hg19) VCF-style: chr22-45923855-C-T.
Other names: c.450C>T (NM_006486.2); c.450C>T, p.Thr150= (NM_001996.4, NM_006485.4, NM_006487.3).
Identifiers: ClinVar variation 1529983 (VCV001529983.34), dbSNP rs141549958, ClinGen allele CA10286554.
Genomic context (GRCh38, chr22:45,527,975, plus strand): 5'-CATGGTTGGCTACCAGTGTGGACAGGTCTTCCAGGCATGCTGTGTCAAGAGCCAGGAGAC[C>T]GGAGATTTGGATGTCGGGGGCCTCCAAGAAACGGGTAACTTTCCCCCTTCCTTCCCTAAT-3'
Protein context (NP_006477.3, residues 140-160): FQACCVKSQE[Thr150=]GDLDVGGLQE